The following is an entry in ClinVar:

NM_001378454.1(ALMS1):c.7533_7534insAAT (p.Arg2511_Ala2512insAsn)

Gene: ALMS1 (ALMS1 centrosome and basal body associated protein; plus strand). Cytogenetic location: 2p13.1.
Variant type: Insertion.
Coding change: c.7533_7534insAAT on transcript NM_001378454.1 (MANE Select); coding-DNA positions 7533 to 7534, AAT inserted.
Protein change: p.Arg2511_Ala2512insAsn.
Molecular consequence: inframe insertion.
Genome position: GRCh38 VCF-style: chr2-73454060-A-AAAT. GRCh37 (hg19) VCF-style: chr2-73681187-A-AAAT.
Other names: c.7536_7537insAAT, p.Arg2512_Ala2513insAsn (NM_015120.4).
Identifiers: ClinVar variation 4998580 (VCV004998580.1).

ClinVar aggregate classification (germline): Uncertain significance (1 of 4 stars; one submission).

Conditions:
ALMS1-related disorder. Also called: ALMS1-related condition.

Submission:

PreventionGenetics, part of Exact Sciences
Classification: Uncertain significance for ALMS1-related condition. Last evaluated: 2025-02-28. Review status: criteria provided, single submitter. Criteria: ACMG Guidelines, 2015. Collection method: clinical testing. Allele origin: germline.
Comment: The ALMS1 c.7536_7537insAAT variant is predicted to result in an in-frame amino acid insertion (p.His2512_Ala2513insAsn). To our knowledge, this variant has not been reported in the literature. This variant is reported in 0.00095% of alleles in individuals of European (Non-Finnish) descent in gnomAD. At this time, the clinical significance of this variant is uncertain due to the absence of conclusive functional and genetic evidence.